The following is an entry in ClinVar:

NM_006294.5(UQCRB):c.92-4A>G

Gene: UQCRB (ubiquinol-cytochrome c reductase binding protein; minus strand). Cytogenetic location: 8q22.1.
Variant type: single nucleotide variant.
Coding change: c.92-4A>G on transcript NM_006294.5 (MANE Select); 4 bases into the intron before coding-DNA position 92, A replaced by G.
Molecular consequence: intron variant.
Genome position (GRCh38, 1-based): chr8:96,231,944, T>C on the plus strand (A>G on the coding strand, the complement: UQCRB is on the minus strand). VCF-style: chr8-96231944-T-C. GRCh37 (hg19) VCF-style: chr8-97244172-T-C.
Other names: c.92-4A>G (NM_001254752.2, NM_006294.4); c.-5-4A>G (NM_001199975.3).
Identifiers: ClinVar variation 1624831 (VCV001624831.10), dbSNP rs376891713, ClinGen allele CA4815937.

ClinVar aggregate classification (germline): Likely benign. Review status: criteria provided, single submitter (1 of 4 stars). 2 submissions from 2 submitters: Likely benign (1). 1 of the submissions does not count toward it. Last evaluated 2021-05-10.

Conditions:
UQCRB-related disorder. Also called: UQCRB-related condition.

Allele frequency attached by ClinVar (database versions not stated): ExAC 0.00002; gnomAD exomes 0.00003 and 0.00006; ESP Exome Variant Server 0.00008; TOPMed 0.00013; gnomAD 0.00015 and 0.00016.
gnomAD v4.1: 122 of 1,612,004 alleles (0.0076%); highest among the groups gnomAD compares: African/African-American, 0.027%; no homozygotes.

Submissions (2):

Labcorp Genetics (formerly Invitae), Labcorp
Classification: Likely benign. Last evaluated: 2021-05-10. Review status: criteria provided, single submitter. Criteria: Invitae Variant Classification Sherloc (09022015). Collection method: clinical testing. Allele origin: germline.

PreventionGenetics, part of Exact Sciences
Classification: Likely benign for UQCRB-related condition. Last evaluated: 2024-06-17. Review status: no assertion criteria provided. Collection method: clinical testing. Allele origin: germline. Not counted in ClinVar's aggregate classification.
Comment: This variant is classified as likely benign based on ACMG/AMP sequence variant interpretation guidelines (Richards et al. 2015 PMID: 25741868, with internal and published modifications).